The following is an entry in ClinVar:

NM_007294.4(BRCA1):c.1383T>A (p.Phe461Leu)

Gene: BRCA1 (BRCA1 DNA repair associated; minus strand). Cytogenetic location: 17q21.31.
Variant type: single nucleotide variant.
Coding change: c.1383T>A on transcript NM_007294.4 (MANE Select); coding-DNA position 1383, T replaced by A.
Protein change: p.Phe461Leu; replaces phenylalanine 461 with leucine.
Molecular consequence: missense variant. On other transcripts: intron variant (137).
Genome position (GRCh38, 1-based): chr17:43,094,148, A>T on the plus strand (T>A on the coding strand, the complement: BRCA1 is on the minus strand). VCF-style: chr17-43094148-A-T. GRCh37 (hg19) VCF-style: chr17-41246165-A-T.
Other names: c.1383T>A, p.Phe461Leu (NM_001407582.1, NM_001407583.1, NM_001407585.1 and 30 more transcripts); c.1380T>A, p.Phe460Leu (NM_001407587.1, NM_001407590.1, NM_001407591.1 and 22 more transcripts); c.1374T>A, p.Phe458Leu (NM_001407646.1, NM_001407647.1); c.1260T>A, p.Phe420Leu (NM_001407648.1, NM_001407664.1, NM_001407665.1 and 19 more transcripts); c.1257T>A, p.Phe419Leu (NM_001407649.1, NM_001407670.1, NM_001407671.1 and 11 more transcripts); c.1305T>A, p.Phe435Leu (NM_001407653.1, NM_001407654.1, NM_001407655.1 and 4 more transcripts); c.1302T>A, p.Phe434Leu (NM_001407659.1, NM_001407660.1, NM_001407661.1 and 1 more transcripts); c.1242T>A, p.Phe414Leu (NM_001407692.1, NM_001407694.1, NM_001407695.1 and 29 more transcripts); and 40 more; short protein forms F461L, F414L, F419L, F458L, F460L, F334L, F372L, F373L.
Identifiers: ClinVar variation 54228 (VCV000054228.35), dbSNP rs56046357, ClinGen allele CA000921.

ClinVar aggregate classification (germline): Benign. Review status: reviewed by expert panel (3 of 4 stars). 8 submissions from 8 submitters: Benign (1). 7 of the submissions do not count toward it. Last evaluated 2019-06-18.

Conditions:
BRCA1-related disorder. Also called: BRCA1-related condition.
Hereditary cancer-predisposing syndrome. Also called: Tumor predisposition; Neoplastic Syndromes, Hereditary; Hereditary Cancer Syndrome; Hereditary neoplastic syndrome. Identifiers: Orphanet 140162, MedGen C0027672, MeSH D009386, MONDO:0015356.
Hereditary breast ovarian cancer syndrome. Also called: Hereditary breast and ovarian cancer syndrome (HBOC); Hereditary breast and ovarian cancer syndrome; Hereditary breast and ovarian cancer; Hereditary breast and/or ovarian cancer syndrome; Breast and ovarian cancer; BRCA1- and BRCA2-Associated Hereditary Breast and Ovarian Cancer. Identifiers: Orphanet 145, MedGen C0677776, MeSH D061325, MONDO:0003582. Disease mechanism: loss of function.
Breast-ovarian cancer, familial, susceptibility to, 1 (BROVCA1). Also called: OVARIAN CANCER, SUSCEPTIBILITY TO; BRCA1 Hereditary Breast and Ovarian Cancer. Identifiers: Orphanet 145, MedGen C2676676, MONDO:0011450, OMIM 604370. Disease mechanism: loss of function.

Allele frequency attached by ClinVar (database versions not stated): TOPMed below 0.00001; gnomAD 0.00001; gnomAD exomes 0.00001.
gnomAD v4.1: 7 of 1,613,932 alleles (0.00043%); highest among the groups gnomAD compares: Non-Finnish European, 0.00059%; no homozygotes.

Submissions (8):

Evidence-based Network for the Interpretation of Germline Mutant Alleles (ENIGMA)
Classification: Benign for Breast-ovarian cancer, familial, susceptibility to, 1. Last evaluated: 2019-06-18. Review status: reviewed by expert panel. Criteria: ENIGMA BRCA1/2 Classification Criteria (2017-06-29). Collection method: curation. Allele origin: germline.
Comment: IARC class based on posterior probability from multifactorial likelihood analysis, thresholds for class as per Plon et al. 2008 (PMID: 18951446). Class 1 based on posterior probability = 0.000244

Labcorp Genetics (formerly Invitae), Labcorp
Classification: Uncertain significance for Hereditary breast ovarian cancer syndrome. Last evaluated: 2025-12-23. Review status: criteria provided, single submitter. Criteria: Invitae Variant Classification Sherloc (09022015). Collection method: clinical testing. Allele origin: germline. Not counted in ClinVar's aggregate classification.
Comment: This sequence change replaces phenylalanine, which is neutral and non-polar, with leucine, which is neutral and non-polar, at codon 461 of the BRCA1 protein (p.Phe461Leu). This variant is present in population databases (rs56046357, gnomAD 0.007%). This missense change has been observed in individual(s) with breast, ovarian, prostate and gastric cancer (PMID: 9609997, 19638463, 22476429). ClinVar contains an entry for this variant (Variation ID: 54228). Invitae Evidence Modeling of protein sequence and biophysical properties (such as structural, functional, and spatial information, amino acid conservation, physicochemical variation, residue mobility, and thermodynamic stability) indicates that this missense variant is expected to disrupt BRCA1 protein function with a positive predictive value of 80%. In summary, the available evidence is currently insufficient to determine the role of this variant in disease. Therefore, it has been classified as a Variant of Uncertain Significance.

Color Diagnostics, LLC DBA Color Health
Classification: Likely benign for Hereditary cancer-predisposing syndrome. Last evaluated: 2025-09-10. Review status: criteria provided, single submitter. Criteria: ACMG Guidelines, 2015. Collection method: clinical testing. Allele origin: germline. Not counted in ClinVar's aggregate classification.

Ambry Genetics
Classification: Uncertain significance for Hereditary cancer-predisposing syndrome. Last evaluated: 2024-09-12. Review status: criteria provided, single submitter. Criteria: Ambry Variant Classification Scheme 2023. Collection method: clinical testing. Allele origin: germline. Not counted in ClinVar's aggregate classification.
Comment: The p.F461L variant (also known as c.1383T>A), located in coding exon 9 of the BRCA1 gene, results from a T to A substitution at nucleotide position 1383. The phenylalanine at codon 461 is replaced by leucine, an amino acid with highly similar properties. This alteration has also been identified in an early-onset familial breast cancer kindred (Katagiri T, J. Hum. Genet. 1998; 43(1):42-8), another family with breast and/or ovarian cancer (Lu W et al. Fam Cancer, 2012 Sep;11:381-5), and a patient with prostate cancer (Pugh TJ et al. Clin Cancer Res, 2009 Aug;15:5008-16). This amino acid position is highly conserved in available vertebrate species. In addition, this alteration is predicted to be deleterious by in silico analysis. Since supporting evidence is limited at this time, the clinical significance of this alteration remains unclear.

Women's Health and Genetics/Laboratory Corporation of America, LabCorp
Classification: Uncertain significance. Last evaluated: 2024-05-17. Review status: criteria provided, single submitter. Criteria: LabCorp Variant Classification Summary - May 2015. Collection method: clinical testing. Allele origin: germline. Not counted in ClinVar's aggregate classification.
Comment: Variant summary: BRCA1 c.1383T>A (p.Phe461Leu) results in a non-conservative amino acid change located in the BRCA1, serine-rich domain of the encoded protein sequence. Four of five in-silico tools predict a damaging effect of the variant on protein function. The variant was absent in 251048 control chromosomes. The available data on variant occurrences in the general population are insufficient to allow any conclusion about variant significance. c.1383T>A has been reported in the literature as a VUS in individuals affected with Hereditary Breast And Ovarian Cancer (e.g., Lu_2012, Judkins_2005, Katagiri_1998). However, these report(s) do not provide unequivocal conclusions about association of the variant with Hereditary Breast And Ovarian Cancer Syndrome. To our knowledge, no experimental evidence demonstrating an impact on protein function has been reported. A recent report from the CAGI5 (fifth Critical Assessment of Genome Interpretation) challenge has classified this variant as benign (CAGI class 1) in a prediction protocol that includes assessment of the impact of this variant on splicing and protein function using four sets of predictors (Padilla_2019). An expert panel has also deemed a classification as benign citing a multifactorial likelihood quantitative analysis (Parsons_2019). The following publications have been ascertained in the context of this evaluation (PMID: 16267036, 22476429, 31112341, 9609997, 31131967). ClinVar contains an entry for this variant (Variation ID: 54228). Based on the evidence outlined above, the variant was classified as uncertain significance.

GeneDx
Classification: Uncertain significance. Last evaluated: 2022-11-23. Review status: criteria provided, single submitter. Criteria: GeneDx Variant Classification Process June 2021. Collection method: clinical testing. Allele origin: germline. Affected: yes. Not counted in ClinVar's aggregate classification.
Comment: Observed in individuals with a personal or family history of breast, prostate and other cancers and identified in an individual who had BRCA1/2 testing (Katagiri et al., 1999; Judkins et al., 2005; Pugh et al., 2009; Lu et al., 2012); Not observed at significant frequency in large population cohorts (gnomAD); In silico analysis supports that this missense variant has a deleterious effect on protein structure/function; Also known as 1502T>A; This variant is associated with the following publications: (PMID: 9609997, 22476429, 16267036, 15343273, 31131967, 19638463, 15235020, 12531920, 16518693, 15385441, 25637381)

PreventionGenetics, part of Exact Sciences
Classification: Uncertain significance for BRCA1-related condition. Last evaluated: 2024-05-14. Review status: no assertion criteria provided. Collection method: clinical testing. Allele origin: germline. Not counted in ClinVar's aggregate classification.
Comment: The BRCA1 c.1383T>A variant is predicted to result in the amino acid substitution p.Phe461Leu. This variant was identified in at least one individual who underwent clinical testing for hereditary breast and ovarian cancer (HBOC; Judkins et al. 2005. PubMed ID: 16267036). A different sequence variant resulting in the same amino acid substitution (c.1381C>T, p.Phe461Leu) has been reported in patients with breast cancer and gastric cancer, and has also been reported as a variant of uncertain significance (Katagiri et al. 1998. PubMed ID: 9609997; Amendola et al. 2015. PubMed ID: 25637381, supplemental). This variant is reported in 0.0065% of alleles in individuals of European (Non-Finnish) descent in gnomAD and is interpreted as benign in ClinVar. At this time, the clinical significance of this variant is uncertain due to the absence of conclusive functional and genetic evidence.

Breast Cancer Information Core (BIC) (BRCA1)
Classification: Uncertain significance for Breast-ovarian cancer, familial 1. Last evaluated: 2004-11-25. Review status: no assertion criteria provided. Collection method: clinical testing. Allele origin: germline. Affected: yes. Observed: 2 variant alleles. Not counted in ClinVar's aggregate classification.

Literature cited by the submitters: PubMed 31131967 (cited by Evidence-based Network for the Interpretation of Germline Mutant Alleles (ENIGMA) and Women's Health and Genetics/Laboratory Corporation of America, LabCorp); PubMed 9609997 (cited by 3 submitters); PubMed 19638463 (cited by Labcorp Genetics (formerly Invitae), Labcorp and Ambry Genetics); PubMed 22476429 (cited by 3 submitters); PubMed 16267036 (cited by Women's Health and Genetics/Laboratory Corporation of America, LabCorp); PubMed 31112341 (cited by Women's Health and Genetics/Laboratory Corporation of America, LabCorp).